The following is an entry in ClinVar:

NM_152564.5(VPS13B):c.1110T>C (p.Asp370=)

Gene: VPS13B (vacuolar protein sorting 13 homolog B; plus strand). Cytogenetic location: 8q22.2.
Variant type: single nucleotide variant.
Coding change: c.1110T>C on transcript NM_152564.5 (MANE Select); coding-DNA position 1110, T replaced by C.
Protein change: p.Asp370=; no amino-acid change (aspartic acid 370 retained).
Molecular consequence: synonymous variant. On other transcripts: non-coding transcript variant (1).
Genome position (GRCh38, 1-based): chr8:99,121,349, T>C. VCF-style: chr8-99121349-T-C. GRCh37 (hg19) VCF-style: chr8-100133577-T-C.
Other names: c.1110T>C, p.Asp370= (NM_015243.3, NM_017890.5, NM_181661.3).
Identifiers: ClinVar variation 2172680 (VCV002172680.5), dbSNP rs2488710664, ClinGen allele CA462463909.

ClinVar aggregate classification (germline): Likely benign. Review status: criteria provided, single submitter (1 of 4 stars). 2 submissions from 2 submitters: Likely benign (1). 1 of the submissions does not count toward it. Last evaluated 2022-04-08.

Conditions:
VPS13B-related disorder. Also called: VPS13B-related condition.
Cohen syndrome (COH1). Also called: PEPPER SYNDROME; Cutis verticis gyrata, retinitis pigmentosa, and sensorineural deafness. Identifiers: Orphanet 193, MedGen C0265223, MONDO:0008999, OMIM 216550.

Allele frequency attached by ClinVar (database versions not stated): gnomAD exomes below 0.00001.
gnomAD v4.1: 1 of 1,614,188 alleles (0.000062%); highest among the groups gnomAD compares: Admixed American, 0.0017%; no homozygotes.

Submissions (2):

Labcorp Genetics (formerly Invitae), Labcorp
Classification: Likely benign for Cohen syndrome. Last evaluated: 2022-04-08. Review status: criteria provided, single submitter. Criteria: Invitae Variant Classification Sherloc (09022015). Collection method: clinical testing. Allele origin: germline.

PreventionGenetics, part of Exact Sciences
Classification: Likely benign for VPS13B-related condition. Last evaluated: 2023-08-28. Review status: no assertion criteria provided. Collection method: clinical testing. Allele origin: germline. Not counted in ClinVar's aggregate classification.
Comment: This variant is classified as likely benign based on ACMG/AMP sequence variant interpretation guidelines (Richards et al. 2015 PMID: 25741868, with internal and published modifications).